The following is an entry in ClinVar:

NM_000051.4(ATM):c.4011T>C (p.Ile1337=)

Gene: ATM (ATM serine/threonine kinase; plus strand). Cytogenetic location: 11q22.3.
Variant type: single nucleotide variant.
Coding change: c.4011T>C on transcript NM_000051.4 (MANE Select); coding-DNA position 4011, T replaced by C.
Protein change: p.Ile1337=; no amino-acid change (isoleucine 1337 retained).
Molecular consequence: synonymous variant.
Genome position (GRCh38, 1-based): chr11:108,287,617, T>C. VCF-style: chr11-108287617-T-C. GRCh37 (hg19) VCF-style: chr11-108158344-T-C.
Other names: c.4011T>C, p.Ile1337= (NM_001351834.2).
Identifiers: ClinVar variation 3253872 (VCV003253872.1), dbSNP rs2546897812.

ClinVar aggregate classification (germline): Benign (1 of 4 stars; one submission).

Conditions:
Familial cancer of breast. Also called: BREAST CANCER, FAMILIAL; Hereditary breast cancer; hereditary breast carcinoma. Identifiers: Orphanet 227535, MedGen C0346153, MONDO:0016419, OMIM 114480. Disease mechanism: loss of function.

Submission:

Myriad Genetics, Inc.
Classification: Benign for Familial cancer of breast. Last evaluated: 2024-05-16. Review status: criteria provided, single submitter. Criteria: Myriad Autosomal Dominant, Autosomal Recessive and X-Linked Classification Criteria (2023). Collection method: clinical testing. Allele origin: unknown.
Comment: This variant is considered benign. This variant is a silent/synonymous amino acid change and it is not expected to impact splicing.